The following is an entry in ClinVar:

NM_000446.7(PON1):c.478A>G (p.Arg160Gly)

Gene: PON1 (paraoxonase 1; minus strand). Cytogenetic location: 7q21.3.
Variant type: single nucleotide variant.
Coding change: c.478A>G on transcript NM_000446.7 (MANE Select); coding-DNA position 478, A replaced by G.
Protein change: p.Arg160Gly; replaces arginine 160 with glycine.
Molecular consequence: missense variant.
Genome position (GRCh38, 1-based): chr7:95,311,470, T>C on the plus strand (A>G on the coding strand, the complement: PON1 is on the minus strand). VCF-style: chr7-95311470-T-C. GRCh37 (hg19) VCF-style: chr7-94940782-T-C.
Other names: short protein forms R160G.
Identifiers: ClinVar variation 1251798 (VCV001251798.2), dbSNP rs13306698, ClinGen allele CA4350281.

ClinVar aggregate classification (germline): Benign (1 of 4 stars; one submission).

Allele frequency attached by ClinVar (database versions not stated): ESP Exome Variant Server 0.00008; gnomAD 0.00190 and 0.00294; gnomAD exomes 0.00223 and 0.00598; TOPMed 0.00342; ExAC 0.00596; 1000 Genomes Project 30x 0.01359; 1000 Genomes Project 0.01518.
gnomAD v4.1: 3,769 of 1,614,108 alleles (0.23%); highest among the groups gnomAD compares: East Asian, 7.4%; 131 homozygotes.

Submission:

GeneDx
Classification: Benign. Last evaluated: 2021-06-09. Review status: criteria provided, single submitter. Criteria: GeneDx Variant Classification Process June 2021. Collection method: clinical testing. Allele origin: germline. Affected: yes.
Comment: This variant is associated with the following publications: (PMID: 12588779)